The following is an entry in ClinVar:

NM_177438.3(DICER1):c.3421T>G (p.Ser1141Ala)

Gene: DICER1 (dicer 1, ribonuclease III; minus strand). Cytogenetic location: 14q32.13.
Variant type: single nucleotide variant.
Coding change: c.3421T>G on transcript NM_177438.3 (MANE Select); coding-DNA position 3421, T replaced by G.
Protein change: p.Ser1141Ala; replaces serine 1141 with alanine.
Molecular consequence: missense variant. On other transcripts: non-coding transcript variant (6).
Genome position (GRCh38, 1-based): chr14:95,103,975, A>C on the plus strand (T>G on the coding strand, the complement: DICER1 is on the minus strand). VCF-style: chr14-95103975-A-C. GRCh37 (hg19) VCF-style: chr14-95570312-A-C.
Other names: c.3421T>G, p.Ser1141Ala (NM_001195573.1, NM_001271282.3, NM_001291628.2 and 13 more transcripts); c.3139T>G, p.Ser1047Ala (NM_001395686.1); c.3016T>G, p.Ser1006Ala (NM_001395687.1, NM_001395688.1, NM_001395689.1 and 2 more transcripts); c.2854T>G, p.Ser952Ala (NM_001395691.1); c.1738T>G, p.Ser580Ala (NM_001395697.1); short protein forms S952A, S1141A, S1047A, S1006A, S580A.
Identifiers: ClinVar variation 1731280 (VCV001731280.5), dbSNP rs1595367126, ClinGen allele CA390875509.

ClinVar aggregate classification (germline): Uncertain significance. Review status: criteria provided, multiple submitters, no conflicts (2 of 4 stars). 2 submissions from 2 submitters: Uncertain significance (2). Last evaluated 2023-02-01.

Conditions:
DICER1-related tumor predisposition. Also called: DICER1 syndrome; DICER1-related pleuropulmonary blastoma cancer predisposition syndrome. Identifiers: Orphanet 284343, MedGen C3839822, MONDO:0100216.
Hereditary cancer-predisposing syndrome. Also called: Neoplastic Syndromes, Hereditary; Tumor predisposition; Hereditary Cancer Syndrome; Hereditary neoplastic syndrome. Identifiers: Orphanet 140162, MedGen C0027672, MeSH D009386, MONDO:0015356.

Submissions (2):

Labcorp Genetics (formerly Invitae), Labcorp
Classification: Uncertain significance for DICER1-related tumor predisposition. Last evaluated: 2023-02-01. Review status: criteria provided, single submitter. Criteria: Invitae Variant Classification Sherloc (09022015). Collection method: clinical testing. Allele origin: germline.
Comment: This variant is not present in population databases (gnomAD no frequency). In summary, the available evidence is currently insufficient to determine the role of this variant in disease. Therefore, it has been classified as a Variant of Uncertain Significance. Advanced modeling of protein sequence and biophysical properties (such as structural, functional, and spatial information, amino acid conservation, physicochemical variation, residue mobility, and thermodynamic stability) performed at Invitae indicates that this missense variant is not expected to disrupt DICER1 protein function. ClinVar contains an entry for this variant (Variation ID: 1731280). This variant has not been reported in the literature in individuals affected with DICER1-related conditions. This sequence change replaces serine, which is neutral and polar, with alanine, which is neutral and non-polar, at codon 1141 of the DICER1 protein (p.Ser1141Ala).

Ambry Genetics
Classification: Uncertain significance for Hereditary cancer-predisposing syndrome. Last evaluated: 2020-08-19. Review status: criteria provided, single submitter. Criteria: Ambry Variant Classification Scheme 2023. Collection method: clinical testing. Allele origin: germline.
Comment: The p.S1141A variant (also known as c.3421T>G), located in coding exon 20 of the DICER1 gene, results from a T to G substitution at nucleotide position 3421. The serine at codon 1141 is replaced by alanine, an amino acid with similar properties. This amino acid position is not well conserved in available vertebrate species. In addition, this alteration is predicted to be tolerated by in silico analysis. Since supporting evidence is limited at this time, the clinical significance of this alteration remains unclear.